The following is an entry in ClinVar:

NM_000070.3(CAPN3):c.2116-9_2116-6del

Gene: CAPN3 (calpain 3; plus strand). Cytogenetic location: 15q15.1.
Variant type: Microsatellite.
Coding change: c.2116-9_2116-6del on transcript NM_000070.3 (MANE Select); 9 bases into the intron before coding-DNA position 2116 through 6 bases into the intron before coding-DNA position 2116, 4 bases deleted (CTCC; older notation c.2116-9_2116-6delCTCC).
Molecular consequence: intron variant.
Genome position (GRCh38, 1-based): chr15:42,410,419-42,410,422, CTCC deleted; deleting any 4 consecutive bases within chr15:42,410,414-42,410,422 gives the same sequence; the c. name uses the placement nearest the transcript's 3' end. VCF-style (leftmost placement, unchanged base first): chr15-42410413-ACCTC-A. GRCh37 (hg19) VCF-style: chr15-42702611-ACCTC-A.
Other names: c.2098-9_2098-6del (NM_024344.2); c.1840-9_1840-6del (NM_173087.2); c.580-9_580-6del (NM_173088.2); c.121-9_121-6del (NM_173090.2, NM_173089.2).
Identifiers: ClinVar variation 2645237 (VCV002645237.24), dbSNP rs2548292734, ClinGen allele CA2547369319.

ClinVar aggregate classification (germline): Uncertain significance (1 of 4 stars; one submission).

Submission:

CeGaT Center for Human Genetics Tuebingen
Classification: Uncertain significance. Last evaluated: 2022-06-01. Review status: criteria provided, single submitter. Criteria: CeGaT Center For Human Genetics Tuebingen Variant Classification Criteria Version 2. Collection method: clinical testing. Allele origin: germline. Affected: yes. Observed: 1 variant allele.
Comment: CAPN3: PM2, PP3